The following is an entry in ClinVar:

NM_006929.5(SKIC2):c.1846C>T (p.Arg616Cys)

Gene: SKIC2 (SKI2 subunit of superkiller complex; plus strand). Cytogenetic location: 6p21.33.
Variant type: single nucleotide variant.
Coding change: c.1846C>T on transcript NM_006929.5 (MANE Select); coding-DNA position 1846, C replaced by T.
Protein change: p.Arg616Cys; replaces arginine 616 with cysteine.
Molecular consequence: missense variant.
Genome position (GRCh38, 1-based): chr6:31,964,111, C>T. VCF-style: chr6-31964111-C-T. GRCh37 (hg19) VCF-style: chr6-31931888-C-T.
Other names: c.1846C>T (NM_006929.4); short protein forms R616C.
Identifiers: ClinVar variation 2082898 (VCV002082898.4), dbSNP rs762696081, ClinGen allele CA3729590.
Genomic context (GRCh38, chr6:31,964,111, plus strand): 5'-GAGAAGAGCGAGATCCACCTCTTCCTGCAGCGCTGCCTTGCTCGCCTCCGTGGCTCTGAC[C>T]GCCAGCTGCCCCAGGTGCGTCTGTGTGCGTCTGTGTGCGTGCATGCACACATTTGGCAGA-3'
Protein context (NP_008860.4, residues 606-626): RCLARLRGSD[Arg616Cys]QLPQVLHMSE

ClinVar aggregate classification (germline): Uncertain significance. Review status: criteria provided, multiple submitters, no conflicts (2 of 4 stars). 2 submissions from 2 submitters: Uncertain significance (2). Last evaluated 2025-08-31.

Conditions:
Inborn genetic diseases. Identifiers: MedGen C0950123, MeSH D030342.

Allele frequency attached by ClinVar (database versions not stated): ExAC 0.00002; gnomAD 0.00002; TOPMed 0.00002.
gnomAD v4.1: 57 of 1,612,446 alleles (0.0035%); highest among the groups gnomAD compares: South Asian, 0.0077%; no homozygotes.

Submissions (2):

Ambry Genetics
Classification: Uncertain significance for Inborn genetic diseases. Last evaluated: 2025-08-31. Review status: criteria provided, single submitter. Criteria: Ambry Variant Classification Scheme 2023. Collection method: clinical testing. Allele origin: germline.

Labcorp Genetics (formerly Invitae), Labcorp
Classification: Uncertain significance. Last evaluated: 2024-10-21. Review status: criteria provided, single submitter. Criteria: Invitae Variant Classification Sherloc (09022015). Collection method: clinical testing. Allele origin: germline.
Comment: This sequence change replaces arginine, which is basic and polar, with cysteine, which is neutral and slightly polar, at codon 616 of the SKIV2L protein (p.Arg616Cys). This variant is present in population databases (rs762696081, gnomAD 0.02%). This variant has not been reported in the literature in individuals affected with SKIV2L-related conditions. ClinVar contains an entry for this variant (Variation ID: 2082898). An algorithm developed to predict the effect of missense changes on protein structure and function (PolyPhen-2) suggests that this variant is likely to be disruptive. In summary, the available evidence is currently insufficient to determine the role of this variant in disease. Therefore, it has been classified as a Variant of Uncertain Significance.